The following is an entry in ClinVar:

NM_000268.4(NF2):c.1170C>G (p.Ile390Met)

Gene: NF2 (NF2, moesin-ezrin-radixin like (MERLIN) tumor suppressor; plus strand). Cytogenetic location: 22q12.2.
Variant type: single nucleotide variant.
Coding change: c.1170C>G on transcript NM_000268.4 (MANE Select); coding-DNA position 1170, C replaced by G.
Protein change: p.Ile390Met; replaces isoleucine 390 with methionine.
Molecular consequence: missense variant. On other transcripts: intron variant (1).
Genome position (GRCh38, 1-based): chr22:29,673,316, C>G. VCF-style: chr22-29673316-C-G. GRCh37 (hg19) VCF-style: chr22-30069305-C-G.
Other names: c.1056C>G, p.Ile352Met (NM_001407053.1, NM_001407056.1); c.1047C>G, p.Ile349Met (NM_001407054.1, NM_001407058.1, NM_181829.3); c.1044C>G, p.Ile348Met (NM_001407055.1, NM_181828.3); c.1035C>G, p.Ile345Met (NM_001407057.1, NM_001407059.1); c.1170C>G, p.Ile390Met (NM_001407060.1, NM_001407066.1, NM_016418.5 and 2 more transcripts); c.912C>G, p.Ile304Met (NM_001407062.1); c.921C>G, p.Ile307Met (NM_001407063.1, NM_001407064.1, NM_181830.3 and 1 more transcripts); c.636C>G, p.Ile212Met (NM_001407065.1); and 2 more; short protein forms I212M, I304M, I307M, I313M, I345M, I348M, I349M, I352M.
Identifiers: ClinVar variation 4861017 (VCV004861017.1).
Genomic context (GRCh38, chr22:29,673,316, plus strand): 5'-CTGTGCCCTCCAGATGCGGTCTGAGGAGACAGCTGACCTGTTGGCTGAAAAGGCCCAGAT[C>G]ACCGAGGAGGAGGCAAAACTTCTGGCCCAGAAGGCCGCAGAGGCTGAGCAGGAAATGCAG-3'
Protein context (NP_000259.1, residues 380-400): TADLLAEKAQ[Ile390Met]TEEEAKLLAQ

ClinVar aggregate classification (germline): Uncertain significance (1 of 4 stars; one submission).

Conditions:
Hereditary cancer-predisposing syndrome. Also called: Neoplastic Syndromes, Hereditary; Tumor predisposition; Hereditary Cancer Syndrome; Hereditary neoplastic syndrome. Identifiers: Orphanet 140162, MedGen C0027672, MeSH D009386, MONDO:0015356.

Submission:

Ambry Genetics
Classification: Uncertain significance for Hereditary cancer-predisposing syndrome. Last evaluated: 2026-04-10. Review status: criteria provided, single submitter. Criteria: Ambry Variant Classification Scheme 2023. Collection method: clinical testing. Allele origin: germline.
Comment: The p.I390M variant (also known as c.1170C>G), located in coding exon 12 of the NF2 gene, results from a C to G substitution at nucleotide position 1170. The isoleucine at codon 390 is replaced by methionine, an amino acid with highly similar properties. This amino acid position is conserved. In addition, the in silico prediction for this alteration is inconclusive. Based on the available evidence, the clinical significance of this variant remains unclear.